The following is an entry in ClinVar:

ClinVar aggregate classification (germline): Uncertain significance (1 of 4 stars; one submission).

Submission:

Labcorp Genetics (formerly Invitae), Labcorp
Classification: Uncertain significance. Last evaluated: 2024-05-03. Review status: criteria provided, single submitter. Criteria: Invitae Variant Classification Sherloc (09022015). Collection method: clinical testing. Allele origin: germline.
Comment: This sequence change creates a premature translational stop signal (p.Ile174Tyrfs*12) in the CEP97 gene. It is expected to result in an absent or disrupted protein product. However, the current clinical and genetic evidence is not sufficient to establish whether loss-of-function variants in CEP97 cause disease. This variant is not present in population databases (gnomAD no frequency). This variant has not been reported in the literature in individuals affected with CEP97-related conditions. Algorithms developed to predict the effect of sequence changes on RNA splicing suggest that this variant may disrupt the consensus splice site. In summary, the available evidence is currently insufficient to determine the role of this variant in disease. Therefore, it has been classified as a Variant of Uncertain Significance.

NM_024548.4(CEP97):c.520del (p.Ile174fs)

Gene: CEP97 (centrosomal protein 97; plus strand). Cytogenetic location: 3q12.3.
Variant type: Deletion.
Coding change: c.520del on transcript NM_024548.4 (MANE Select); coding-DNA position 520, one base deleted (A; older notation c.520delA).
Protein change: p.Ile174fs; shifts the reading frame from isoleucine 174.
Molecular consequence: frameshift variant.
Genome position (GRCh38, 1-based): chr3:101,731,912, A deleted. VCF-style (leftmost placement, unchanged base first): chr3-101731911-TA-T. GRCh37 (hg19) VCF-style: chr3-101450755-TA-T.
Other names: c.520del, p.Ile174fs (NM_001303401.2); c.418del, p.Ile140fs (NM_001410784.1, NM_001410785.1); short protein forms I140fs, I174fs.
Identifiers: ClinVar variation 3693874 (VCV003693874.2).